The following is an entry in ClinVar:

ClinVar aggregate classification (germline): Benign/Likely benign. Review status: criteria provided, multiple submitters, no conflicts (2 of 4 stars). 7 submissions from 7 submitters: Benign (4); Likely benign (2). 1 of the submissions does not count toward it. Last evaluated 2026-01-28.

Conditions:
Inborn genetic diseases. Identifiers: MedGen C0950123, MeSH D030342.
Coffin-Siris syndrome 1 (CSS1). Also called: Mental retardation, autosomal dominant 12; ARID1B-Related Coffin-Siris Syndrome. Identifiers: Orphanet 1465, MedGen C3281201, MONDO:0007617, OMIM 135900. Disease mechanism: gain of function.

Allele frequency attached by ClinVar (database versions not stated): gnomAD exomes 0.00050 and 0.00147; ExAC 0.00181; ESP Exome Variant Server 0.00539; gnomAD 0.00559 and 0.00590; TOPMed 0.00609; 1000 Genomes Project 0.00679; 1000 Genomes Project 30x 0.00687.
gnomAD v4.1: 1,600 of 1,611,808 alleles (0.099%); highest among the groups gnomAD compares: African/African-American, 1.8%; 8 homozygotes.

Submissions (7):

Labcorp Genetics (formerly Invitae), Labcorp
Classification: Benign. Last evaluated: 2026-01-28. Review status: criteria provided, single submitter. Criteria: Invitae Variant Classification Sherloc (09022015). Collection method: clinical testing. Allele origin: germline.

GeneDx
Classification: Likely benign. Last evaluated: 2022-12-02. Review status: criteria provided, single submitter. Criteria: GeneDx Variant Classification Process June 2021. Collection method: clinical testing. Allele origin: germline. Affected: yes.
Comment: See Variant Classification Assertion Criteria.

Genome-Nilou Lab
Classification: Benign for Coffin-Siris syndrome 1. Last evaluated: 2021-07-15. Review status: criteria provided, single submitter. Criteria: ACMG Guidelines, 2015. Collection method: clinical testing. Allele origin: germline. Affected: no.

Center for Pediatric Genomic Medicine, Children's Mercy Hospital and Clinics
Classification: Benign. Last evaluated: 2017-06-14. Review status: criteria provided, single submitter. Criteria: ACMG Guidelines, 2015. Collection method: clinical testing. Allele origin: germline.

Ambry Genetics
Classification: Benign for Inborn genetic diseases. Last evaluated: 2017-02-16. Review status: criteria provided, single submitter. Criteria: Ambry Variant Classification Scheme 2023. Collection method: clinical testing. Allele origin: germline.

Breakthrough Genomics
Classification: Likely benign. Review status: criteria provided, single submitter. Criteria: ACMG Guidelines, 2015. Collection method: not provided. Allele origin: germline. Inheritance: Autosomal dominant inheritance. Affected: yes.

Genetic Services Laboratory, University of Chicago
Classification: Likely benign for AllHighlyPenetrant. Review status: no assertion criteria provided. Collection method: clinical testing. Allele origin: germline. Inheritance: Autosomal dominant inheritance. Observed: 1 variant allele. Not counted in ClinVar's aggregate classification.
Comment: Likely benign based on allele frequency in 1000 Genomes Project or ESP global frequency and its presence in a patient with a rare or unrelated disease phenotype. NOT Sanger confirmed.

NM_001374828.1(ARID1B):c.3106G>A (p.Gly1036Ser)

Gene: ARID1B (AT-rich interaction domain 1B; plus strand). Cytogenetic location: 6q25.3.
Variant type: single nucleotide variant.
Coding change: c.3106G>A on transcript NM_001374828.1 (MANE Select); coding-DNA position 3106, G replaced by A.
Protein change: p.Gly1036Ser; replaces glycine 1036 with serine.
Molecular consequence: missense variant.
Genome position (GRCh38, 1-based): chr6:157,167,056, G>A. VCF-style: chr6-157167056-G-A. GRCh37 (hg19) VCF-style: chr6-157488190-G-A.
Other names: c.2896G>A, p.Gly966Ser (NM_020732.3); c.607G>A, p.Gly203Ser (NM_001363725.2); c.3145G>A, p.Gly1049Ser (NM_001371656.1, NM_001374820.1); c.3106G>A, p.Gly1036Ser (NM_017519.3); short protein forms G966S, G203S, G1036S, G1049S.
Identifiers: ClinVar variation 126323 (VCV000126323.27), dbSNP rs34786733, ClinGen allele CA151046.